The following is an entry in ClinVar:

NM_182961.4(SYNE1):c.778+259T>C

Gene: SYNE1 (spectrin repeat containing nuclear envelope protein 1; minus strand). Cytogenetic location: 6q25.2.
Variant type: single nucleotide variant.
Coding change: c.778+259T>C on transcript NM_182961.4 (MANE Select); 259 bases into the intron after coding-DNA position 778, T replaced by C.
Molecular consequence: intron variant.
Genome position (GRCh38, 1-based): chr6:152,504,942, A>G on the plus strand (T>C on the coding strand, the complement: SYNE1 is on the minus strand). VCF-style: chr6-152504942-A-G. GRCh37 (hg19) VCF-style: chr6-152826077-A-G.
Other names: c.799+259T>C (NM_033071.5).
Identifiers: ClinVar variation 683901 (VCV000683901.1), dbSNP rs9397519, ClinGen allele CA12449778.
Genomic context (GRCh38, chr6:152,504,942, plus strand): 5'-TTATATTATCCTGTCACCTACCCCTCATACACACACTTCTAAAACTTTCATTCCACCCTT[A>G]AGTATATTAAGTCCAGTTCACCCGACTGACATACCAATGCCAAAGTGCTGTTTGGAGCAA-3'

ClinVar aggregate classification (germline): Benign (1 of 4 stars; one submission).

Allele frequency attached by ClinVar (database versions not stated): gnomAD 0.19503 and 0.19736; TOPMed 0.19915; 1000 Genomes Project 30x 0.26608; 1000 Genomes Project 0.26917.
gnomAD v4.1: 29,951 of 152,006 alleles (20%); highest among the groups gnomAD compares: East Asian, 46%; 3,570 homozygotes.

Submission:

GeneDx
Classification: Benign. Last evaluated: 2018-06-14. Review status: criteria provided, single submitter. Criteria: GeneDx Variant Classification (06012015). Collection method: clinical testing. Allele origin: germline. Affected: yes.
Comment: This variant is considered likely benign or benign based on one or more of the following criteria: it is a conservative change, it occurs at a poorly conserved position in the protein, it is predicted to be benign by multiple in silico algorithms, and/or has population frequency not consistent with disease.